The following is an entry in ClinVar:

ClinVar aggregate classification (germline): Uncertain significance. Review status: criteria provided, multiple submitters, no conflicts (2 of 4 stars). 3 submissions from 3 submitters: Uncertain significance (2). 1 of the submissions does not count toward it. Last evaluated 2026-01-20.

Conditions:
C1S-related disorder. Also called: C1S-related condition.

Allele frequency attached by ClinVar (database versions not stated): ExAC 0.00001; gnomAD 0.00003; gnomAD exomes 0.00003; TOPMed 0.00003; ESP Exome Variant Server 0.00008.
gnomAD v4.1: 41 of 1,614,046 alleles (0.0025%); highest among the groups gnomAD compares: Non-Finnish European, 0.0035%; no homozygotes.

Submissions (3):

Women's Health and Genetics/Laboratory Corporation of America, LabCorp
Classification: Uncertain significance. Last evaluated: 2026-01-20. Review status: criteria provided, single submitter. Criteria: LabCorp Variant Classification Summary - May 2015. Collection method: clinical testing. Allele origin: germline.
Comment: Variant summary: C1S c.265A>G (p.Asn89Asp) results in a conservative amino acid change in the encoded protein sequence. Algorithms developed to predict the effect of missense changes on protein structure and function all suggest that this variant is likely to be tolerated. The variant allele was found at a frequency of 4e-06 in 251458 control chromosomes. The available data on variant occurrences in the general population are insufficient to allow any conclusion about variant significance. To our knowledge, no occurrence of c.265A>G in individuals affected with C1S-related conditions and no experimental evidence demonstrating its impact on protein function have been reported. ClinVar contains an entry for this variant (Variation ID: 2415712). Based on the evidence outlined above, the variant was classified as uncertain significance.

Labcorp Genetics (formerly Invitae), Labcorp
Classification: Uncertain significance. Last evaluated: 2025-09-03. Review status: criteria provided, single submitter. Criteria: Invitae Variant Classification Sherloc (09022015). Collection method: clinical testing. Allele origin: germline.
Comment: This sequence change replaces asparagine, which is neutral and polar, with aspartic acid, which is acidic and polar, at codon 89 of the C1S protein (p.Asn89Asp). This variant is present in population databases (rs371828427, gnomAD 0.002%). This variant has not been reported in the literature in individuals affected with C1S-related conditions. ClinVar contains an entry for this variant (Variation ID: 2415712). An algorithm developed to predict the effect of missense changes on protein structure and function (PolyPhen-2) suggests that this variant is likely to be tolerated. In summary, the available evidence is currently insufficient to determine the role of this variant in disease. Therefore, it has been classified as a Variant of Uncertain Significance.

PreventionGenetics, part of Exact Sciences
Classification: Uncertain significance for C1S-related condition. Last evaluated: 2024-03-03. Review status: no assertion criteria provided. Collection method: clinical testing. Allele origin: germline. Not counted in ClinVar's aggregate classification.
Comment: The C1S c.265A>G variant is predicted to result in the amino acid substitution p.Asn89Asp. To our knowledge, this variant has not been reported in the literature. This variant is reported in 0.0015% of alleles in individuals of European (Non-Finnish) descent in gnomAD. At this time, the clinical significance of this variant is uncertain due to the absence of conclusive functional and genetic evidence.

NM_001734.5(C1S):c.265A>G (p.Asn89Asp)

Gene: C1S (complement C1s; plus strand). Cytogenetic location: 12p13.31.
Variant type: single nucleotide variant.
Coding change: c.265A>G on transcript NM_001734.5 (MANE Select); coding-DNA position 265, A replaced by G.
Protein change: p.Asn89Asp; replaces asparagine 89 with aspartic acid.
Molecular consequence: missense variant. On other transcripts: 5 prime UTR variant (1).
Genome position (GRCh38, 1-based): chr12:7,062,941, A>G. VCF-style: chr12-7062941-A-G. GRCh37 (hg19) VCF-style: chr12-7170245-A-G.
Other names: c.265A>G (NM_201442.3); c.-237A>G (NM_001346850.2); c.265A>G, p.Asn89Asp (NM_201442.4); short protein forms N89D.
Identifiers: ClinVar variation 2415712 (VCV002415712.9), dbSNP rs371828427, ClinGen allele CA6423364.